The following continues an entry in ClinVar:

NM_000059.4(BRCA2):c.26del (p.Pro9fs)

Gene: BRCA2. ClinVar aggregate classification (germline): Pathogenic. Pathogenic (1).

Submissions 9 to 22 of 22:

Ambry Genetics
Classification: Pathogenic for Hereditary cancer-predisposing syndrome. Last evaluated: 2022-09-06. Review status: criteria provided, single submitter. Criteria: Ambry Variant Classification Scheme 2023. Collection method: clinical testing. Allele origin: germline. Not counted in ClinVar's aggregate classification.
Comment: The c.26delC pathogenic mutation, located in coding exon 1 of the BRCA2 gene, results from a deletion of one nucleotide at position 26, causing a translational frameshift with a predicted alternate stop codon (p.P9Qfs*16). This mutation has been identified in multiple individuals with breast, ovarian, prostate, and/or pancreatic cancers (Gayther SA et al. Nat. Genet. 1997 Jan;15(1):103-5; Evans DG et al. Fam. Cancer 2008 Jul;7(2):113-7; Alsop K et al. J. Clin. Oncol. 2012 Jul;30(21):2654-63; Thompson ER et al. PLoS Genet. 2012 Sep;8(9):e1002894; Pritchard CC et al. N. Engl. J. Med. 2016 Aug 4;375(5):443-53; Schenkel LC et al. J. Mol. Diagn. 2016 09;18(5):657-667; Hu C et al. JAMA 2018 06;319(23):2401-2409). This alteration was identified in a large, worldwide study of BRCA1/2 mutation positive families (Rebbeck TR et al. Hum. Mutat. 2018 05;39(5):593-620). Of note, this alteration is also designated as 254delC and 253delC in published literature. In addition to the clinical data presented in the literature, this alteration is expected to result in loss of function by premature protein truncation or nonsense-mediated mRNA decay. As such, this alteration is interpreted as a disease-causing mutation.

Sema4
Classification: Pathogenic for Hereditary cancer-predisposing syndrome. Last evaluated: 2021-09-02. Review status: criteria provided, single submitter. Criteria: Sema4 Curation Guidelines. Collection method: curation. Allele origin: germline. Not counted in ClinVar's aggregate classification.
Comment: The BRCA2 c.26delC (p.P9QfsX16) variant has been reported in heterozygosity in at least 12 individuals with breast cancer (PMID: 29446198). It is also known as 253delC and 254delC in the literature. This variant causes a frameshift at amino acid 9 that results in premature termination 16 amino acids downstream. At this location, this is predicted to cause nonsense-mediated decay and result in an absent protein (loss of function). Loss of function variants in BRCA2 are known to be pathogenic (PMID: 29446198). This variant is not reported in the population database Genome Aggregation Database (PMID: 32461654). This variant has been reported in ClinVar (Variation ID: 51330). Based on the current evidence available, this variant is interpreted as pathogenic.

Women's Health and Genetics/Laboratory Corporation of America, LabCorp
Classification: Pathogenic for Hereditary breast ovarian cancer syndrome. Last evaluated: 2021-04-23. Review status: criteria provided, single submitter. Criteria: LabCorp Variant Classification Summary - May 2015. Collection method: clinical testing. Allele origin: germline. Not counted in ClinVar's aggregate classification.
Comment: Variant summary: BRCA2 c.26delC (p.Pro9GlnfsX16) results in a premature termination codon, predicted to cause a truncation of the encoded protein or absence of the protein due to nonsense mediated decay, which are commonly known mechanisms for disease. Truncations downstream of this position have been classified as pathogenic by our laboratory. The variant was absent in 251392 control chromosomes. c.26delC has been widely reported in the literature in multiple individuals affected with Hereditary Breast And Ovarian Cancer Syndrome (example, Rebbeck_2018). These data indicate that the variant is very likely to be associated with disease. To our knowledge, no experimental evidence demonstrating an impact on protein function has been reported. Multiple clinical diagnostic laboratories, an expert panel (ENIGMA) and a consortium (CIMBA) have submitted clinical-significance assessments for this variant to ClinVar after 2014. All submitters classified the variant as pathogenic. Based on the evidence outlined above, the variant was classified as pathogenic.

Color Diagnostics, LLC DBA Color Health
Classification: Pathogenic for Hereditary cancer-predisposing syndrome. Last evaluated: 2020-01-15. Review status: criteria provided, single submitter. Criteria: ACMG Guidelines, 2015. Collection method: clinical testing. Allele origin: germline. Not counted in ClinVar's aggregate classification.
Comment: This variant deletes 1 nucleotide in exon 2 of the BRCA2 gene, creating a frameshift and premature translation stop signal. This variant is expected to result in an absent or non-functional protein product. This variant has not been identified in the general population by the Genome Aggregation Database (gnomAD). Loss of BRCA2 function is a known mechanism of disease. Based on the available evidence, this variant is classified as Pathogenic.

CHEO Genetics Diagnostic Laboratory, Children's Hospital of Eastern Ontario
Classification: Pathogenic for Breast and/or ovarian cancer. Last evaluated: 2019-08-21. Review status: criteria provided, single submitter. Criteria: ACMG Guidelines, 2015. Collection method: clinical testing. Allele origin: germline. Not counted in ClinVar's aggregate classification.

Revvity Omics, Revvity
Classification: Pathogenic. Last evaluated: 2019-06-12. Review status: criteria provided, single submitter. Criteria: ACMG Guidelines, 2015. Collection method: clinical testing. Allele origin: germline. Not counted in ClinVar's aggregate classification.

Consortium of Investigators of Modifiers of BRCA1/2 (CIMBA), c/o University of Cambridge
Classification: Pathogenic for Breast-ovarian cancer, familial, susceptibility to, 2. Last evaluated: 2015-10-02. Review status: criteria provided, single submitter. Criteria: CIMBA Mutation Classification guidelines May 2016. Collection method: clinical testing. Allele origin: germline. Not counted in ClinVar's aggregate classification.

PreventionGenetics, part of Exact Sciences
Classification: Pathogenic for BRCA2-related condition. Last evaluated: 2024-05-08. Review status: no assertion criteria provided. Collection method: clinical testing. Allele origin: germline. Not counted in ClinVar's aggregate classification.
Comment: The BRCA2 c.26delC variant is predicted to result in a frameshift and premature protein termination (p.Pro9Glnfs*16). This variant has not been reported in a large population database and is interpreted as pathogenic in ClinVar. Frameshift variants in BRCA2 are expected to be pathogenic. This variant is interpreted as pathogenic.

BRCAlab, Lund University
Classification: Pathogenic for Breast-ovarian cancer, familial, susceptibility to, 2. Last evaluated: 2020-03-02. Review status: no assertion criteria provided. Collection method: clinical testing. Allele origin: germline. Affected: yes. Not counted in ClinVar's aggregate classification.

Counsyl
Classification: Pathogenic for Breast-ovarian cancer, familial, susceptibility to, 2. Last evaluated: 2016-08-31. Review status: no assertion criteria provided. Collection method: clinical testing. Allele origin: unknown. Not counted in ClinVar's aggregate classification.

Research Molecular Genetics Laboratory, Women's College Hospital, University of Toronto
Classification: Pathogenic for Hereditary breast ovarian cancer syndrome. Last evaluated: 2014-01-31. Review status: no assertion criteria provided. Collection method: research. Allele origin: germline. Affected: yes. Study: The Canadian Open Genetics Repository (COGR). Not counted in ClinVar's aggregate classification.

Sharing Clinical Reports Project (SCRP)
Classification: Pathogenic for Breast-ovarian cancer, familial 2. Last evaluated: 2007-02-15. Review status: no assertion criteria provided. Collection method: clinical testing. Allele origin: germline. Not counted in ClinVar's aggregate classification.

Breast Cancer Information Core (BIC) (BRCA2)
Classification: Pathogenic for Breast-ovarian cancer, familial 2. Last evaluated: 2004-02-20. Review status: no assertion criteria provided. Collection method: clinical testing. Allele origin: germline, unknown. Affected: yes. Observed: 7 variant alleles. Not counted in ClinVar's aggregate classification.

Department of Pathology and Laboratory Medicine, Sinai Health System
Classification: Pathogenic for Malignant tumor of breast. Review status: no assertion criteria provided. Collection method: clinical testing. Allele origin: unknown. Affected: yes. Observed: 1 variant allele. Study: The Canadian Open Genetics Repository (COGR). Not counted in ClinVar's aggregate classification.
Comment: The p.Pro9GlnfsX16 deletion variant was identified in 4 of 3028 proband chromosomes (frequency: 0.001) from individuals or families with breast or ovarian cancer (Alsop 2012, Gayther 1997, Weitzel 2003).The variant was also identified in dbSNP (ID: rs80359343) â€šÃ„ÃºWith pathogenic alleleâ€šÃ„Ã¹, HGMD, LOVD, UMD (1X as a causal variant), and the BIC database (7X as clinically important). The p.Pro9GlnfsX16 deletion variant is predicted to cause a frameshift, which alters the protein's amino acid sequence beginning at codon 9 and leads to a premature stop codon 16 codons downstream. This alteration is then predicted to result in a truncated or absent protein and loss of function. Loss of function variants of the BRCA2 gene are an established mechanism of disease in hereditary breast and ovarian cancer and is the type of variant expected to cause the disorder. In summary, based on the above information, this variant meets our laboratoryâ€šÃ„Ã´s criteria to be classified as pathogenic.

Literature cited by the submitters: PubMed 20104584 (cited by Labcorp Genetics (formerly Invitae), Labcorp and Quest Diagnostics Nichols Institute San Juan Capistrano); PubMed 8988179 (cited by 4 submitters); PubMed 11044354 (cited by 3 submitters); PubMed 17636422 (cited by 5 submitters); PubMed 22711857 (cited by 5 submitters); PubMed 23028338 (cited by 5 submitters); PubMed 33758026 (cited by Quest Diagnostics Nichols Institute San Juan Capistrano); PubMed 27433846 (cited by Quest Diagnostics Nichols Institute San Juan Capistrano); PubMed 34657373 (cited by Quest Diagnostics Nichols Institute San Juan Capistrano); PubMed 33471991 (cited by Quest Diagnostics Nichols Institute San Juan Capistrano); PubMed 32073954 (cited by Quest Diagnostics Nichols Institute San Juan Capistrano); PubMed 30787465 (cited by Quest Diagnostics Nichols Institute San Juan Capistrano); PubMed 29922827 (cited by Quest Diagnostics Nichols Institute San Juan Capistrano and Ambry Genetics); PubMed 29446198 (cited by 4 submitters); PubMed 28888541 (cited by Quest Diagnostics Nichols Institute San Juan Capistrano); PubMed 27376475 (cited by Quest Diagnostics Nichols Institute San Juan Capistrano and Ambry Genetics); PubMed 21702907 (cited by Quest Diagnostics Nichols Institute San Juan Capistrano and Ambry Genetics); PubMed 11879560 (cited by Quest Diagnostics Nichols Institute San Juan Capistrano and Women's Health and Genetics/Laboratory Corporation of America, LabCorp); PubMed 3146935 (cited by Quest Diagnostics Nichols Institute San Juan Capistrano); PubMed 3413277 (cited by Quest Diagnostics Nichols Institute San Juan Capistrano); PubMed 26295337 (cited by Quest Diagnostics Nichols Institute San Juan Capistrano); PubMed 14662532 (cited by Ambry Genetics).